The following is an entry in ClinVar:

ClinVar aggregate classification (germline): Uncertain significance. Review status: criteria provided, multiple submitters, no conflicts (2 of 4 stars). 2 submissions from 2 submitters: Uncertain significance (2). Last evaluated 2024-12-10.

Conditions:
Hereditary cancer-predisposing syndrome. Also called: Neoplastic Syndromes, Hereditary; Hereditary Cancer Syndrome; Tumor predisposition; Hereditary neoplastic syndrome. Identifiers: Orphanet 140162, MedGen C0027672, MeSH D009386, MONDO:0015356.

Submissions (2):

Ambry Genetics
Classification: Uncertain significance for Hereditary cancer-predisposing syndrome. Last evaluated: 2024-12-10. Review status: criteria provided, single submitter. Criteria: Ambry Variant Classification Scheme 2023. Collection method: clinical testing. Allele origin: germline.
Comment: The p.I179N variant (also known as c.536T>A), located in coding exon 4 of the RAD50 gene, results from a T to A substitution at nucleotide position 536. The isoleucine at codon 179 is replaced by asparagine, an amino acid with dissimilar properties. This amino acid position is conserved. In addition, this alteration is predicted to be deleterious by in silico analysis. Based on the available evidence, the clinical significance of this variant remains unclear.

Labcorp Genetics (formerly Invitae), Labcorp
Classification: Uncertain significance for Hereditary cancer-predisposing syndrome. Last evaluated: 2023-03-30. Review status: criteria provided, single submitter. Criteria: Invitae Variant Classification Sherloc (09022015). Collection method: clinical testing. Allele origin: germline.
Comment: This sequence change replaces isoleucine, which is neutral and non-polar, with asparagine, which is neutral and polar, at codon 179 of the RAD50 protein (p.Ile179Asn). This variant is not present in population databases (gnomAD no frequency). In summary, the available evidence is currently insufficient to determine the role of this variant in disease. Therefore, it has been classified as a Variant of Uncertain Significance. This variant has not been reported in the literature in individuals affected with RAD50-related conditions. Advanced modeling of protein sequence and biophysical properties (such as structural, functional, and spatial information, amino acid conservation, physicochemical variation, residue mobility, and thermodynamic stability) performed at Invitae indicates that this missense variant is expected to disrupt RAD50 protein function.

NM_005732.4(RAD50):c.536T>A (p.Ile179Asn)

Gene: RAD50 (RAD50 double strand break repair protein; plus strand). Cytogenetic location: 5q31.1.
Variant type: single nucleotide variant.
Coding change: c.536T>A on transcript NM_005732.4 (MANE Select); coding-DNA position 536, T replaced by A.
Protein change: p.Ile179Asn; replaces isoleucine 179 with asparagine.
Molecular consequence: missense variant.
Genome position (GRCh38, 1-based): chr5:132,579,487, T>A. VCF-style: chr5-132579487-T-A. GRCh37 (hg19) VCF-style: chr5-131915179-T-A.
Other names: c.536T>A (NM_005732.3); short protein forms I179N.
Identifiers: ClinVar variation 2850849 (VCV002850849.4), dbSNP rs2479616269, ClinGen allele CA360935090.